The following is an entry in ClinVar:

ClinVar aggregate classification (germline): Uncertain significance. Review status: criteria provided, multiple submitters, no conflicts (2 of 4 stars). 3 submissions from 3 submitters: Uncertain significance (3). Last evaluated 2024-05-07.

Conditions:
CHARGE syndrome (CHARGE). Also called: Coloboma, heart anomaly, choanal atresia, retardation, genital and ear anomalies; CHARGE association; Hall-Hittner syndrome; CHARGE ASSOCIATION--COLOBOMA, HEART ANOMALY, CHOANAL ATRESIA, RETARDATION, GENITAL AND EAR ANOMALIES; Hittner Hirsch Kreh syndrome. Identifiers: Orphanet 138, MedGen C0265354, MONDO:0008965.

Submissions (3):

Blueprint Genetics
Classification: Uncertain significance. Last evaluated: 2024-05-07. Review status: criteria provided, single submitter. Criteria: ACMG Guidelines, 2015. Collection method: clinical testing. Allele origin: germline.

Labcorp Genetics (formerly Invitae), Labcorp
Classification: Uncertain significance for CHARGE syndrome. Last evaluated: 2018-02-27. Review status: criteria provided, single submitter. Criteria: Invitae Variant Classification Sherloc (09022015). Collection method: clinical testing. Allele origin: germline.
Comment: In summary, the available evidence is currently insufficient to determine the role of this variant in disease. Therefore, it has been classified as a Variant of Uncertain Significance. Algorithms developed to predict the effect of missense changes on protein structure and function do not agree on the potential impact of this missense change (SIFT: "Tolerated"; PolyPhen-2: "Probably Damaging"; Align-GVGD: "Class C0"). This variant has been reported in individuals who were referred for genetic testing of CHD7 (PMID: 21158681). ClinVar contains an entry for this variant (Variation ID: 196709). This variant is not present in population databases (ExAC no frequency). This sequence change replaces glycine with aspartic acid at codon 2103 of the CHD7 protein (p.Gly2103Asp). The glycine residue is highly conserved and there is a moderate physicochemical difference between glycine and aspartic acid.

Eurofins Ntd Llc (ga)
Classification: Uncertain significance. Last evaluated: 2014-09-04. Review status: criteria provided, single submitter. Criteria: EGL Classification Definitions 2015. Collection method: clinical testing. Allele origin: germline. Observed: 1 variant allele, 1 heterozygote.

Literature cited by the submitters: PubMed 21158681 (cited by Labcorp Genetics (formerly Invitae), Labcorp).

NM_017780.4(CHD7):c.6308G>A (p.Gly2103Asp)

Gene: CHD7 (chromodomain helicase DNA binding protein 7; plus strand). Cytogenetic location: 8q12.2.
Variant type: single nucleotide variant.
Coding change: c.6308G>A on transcript NM_017780.4 (MANE Select); coding-DNA position 6308, G replaced by A.
Protein change: p.Gly2103Asp; replaces glycine 2103 with aspartic acid.
Molecular consequence: missense variant. On other transcripts: intron variant (1).
Genome position (GRCh38, 1-based): chr8:60,853,033, G>A. VCF-style: chr8-60853033-G-A. GRCh37 (hg19) VCF-style: chr8-61765592-G-A.
Other names: c.1717-9196G>A (NM_001316690.1); short protein forms G2103D.
Identifiers: ClinVar variation 196709 (VCV000196709.12), dbSNP rs794727555, ClinGen allele CA243786.